The following is an entry in ClinVar:

NM_000260.4(MYO7A):c.2657C>T (p.Ala886Val)

Gene: MYO7A (myosin VIIA; plus strand). Cytogenetic location: 11q13.5.
Variant type: single nucleotide variant.
Coding change: c.2657C>T on transcript NM_000260.4 (MANE Select); coding-DNA position 2657, C replaced by T.
Protein change: p.Ala886Val; replaces alanine 886 with valine.
Molecular consequence: missense variant.
Genome position (GRCh38, 1-based): chr11:77,180,444, C>T. VCF-style: chr11-77180444-C-T. GRCh37 (hg19) VCF-style: chr11-76891490-C-T.
Other names: c.2657C>T, p.Ala886Val (NM_001127180.2); c.2624C>T, p.Ala875Val (NM_001369365.1); short protein forms A875V, A886V.
Identifiers: ClinVar variation 4978923 (VCV004978923.1).

ClinVar aggregate classification (germline): Uncertain significance (1 of 4 stars; one submission).

Conditions:
MYO7A-related disorder. Also called: MYO7A-related disorders.

gnomAD v4.1: 1 of 1,612,432 alleles (0.000062%); highest among the groups gnomAD compares: Non-Finnish European, 0.000085%; no homozygotes.

Submission:

PreventionGenetics, part of Exact Sciences
Classification: Uncertain significance for MYO7A-related condition. Last evaluated: 2026-08-08. Review status: criteria provided, single submitter. Criteria: ACMG Guidelines, 2015. Collection method: clinical testing. Allele origin: germline.
Comment: The MYO7A c.2657C>T variant is predicted to result in the amino acid substitution p.Ala886Val. To our knowledge, this variant has not been reported in the literature or in a large population database (gnomAD), indicating this variant is rare. At this time, the clinical significance of this variant is uncertain due to the absence of conclusive functional and genetic evidence.